The following is an entry in ClinVar:

ClinVar aggregate classification (germline): Uncertain significance (1 of 4 stars; one submission).

Conditions:
Primary ciliary dyskinesia. Also called: Ciliary dyskinesia. Identifiers: Orphanet 244, MedGen C0008780, MONDO:0016575, HP:0012265.

Submission:

Labcorp Genetics (formerly Invitae), Labcorp
Classification: Uncertain significance for Primary ciliary dyskinesia. Last evaluated: 2024-06-21. Review status: criteria provided, single submitter. Criteria: Invitae Variant Classification Sherloc (09022015). Collection method: clinical testing. Allele origin: germline.
Comment: This sequence change replaces alanine, which is neutral and non-polar, with valine, which is neutral and non-polar, at codon 165 of the DRC1 protein (p.Ala165Val). The frequency data for this variant in the population databases is considered unreliable, as metrics indicate poor data quality at this position in the gnomAD database. This variant has not been reported in the literature in individuals affected with DRC1-related conditions. ClinVar contains an entry for this variant (Variation ID: 656581). An algorithm developed to predict the effect of missense changes on protein structure and function (PolyPhen-2) suggests that this variant is likely to be disruptive. In summary, the available evidence is currently insufficient to determine the role of this variant in disease. Therefore, it has been classified as a Variant of Uncertain Significance.

NM_145038.5(DRC1):c.494_495delinsTG (p.Ala165Val)

Gene: DRC1 (dynein regulatory complex subunit 1; plus strand). Cytogenetic location: 2p23.3.
Variant type: Indel.
Coding change: c.494_495delinsTG on transcript NM_145038.5 (MANE Select); coding-DNA positions 494 to 495, CT replaced by TG.
Protein change: p.Ala165Val; replaces alanine 165 with valine.
Molecular consequence: missense variant.
Genome position (GRCh38, 1-based): chr2:26,424,408-26,424,409, CT replaced by TG. VCF-style: chr2-26424408-CT-TG. GRCh37 (hg19) VCF-style: chr2-26647276-CT-TG.
Other names: short protein forms A165V.
Identifiers: ClinVar variation 656581 (VCV000656581.8), dbSNP rs1572363707, ClinGen allele CA915943784.